The following is an entry in ClinVar:

NM_004006.3(DMD):c.6079G>C (p.Asp2027His)

Gene: DMD (dystrophin; minus strand). Cytogenetic location: Xp21.1.
Variant type: single nucleotide variant.
Coding change: c.6079G>C on transcript NM_004006.3 (MANE Select); coding-DNA position 6079, G replaced by C.
Protein change: p.Asp2027His; replaces aspartic acid 2027 with histidine.
Molecular consequence: missense variant.
Genome position (GRCh38, 1-based): chrX:32,310,120, C>G on the plus strand (G>C on the coding strand, the complement: DMD is on the minus strand). VCF-style: chrX-32310120-C-G. GRCh37 (hg19) VCF-style: chrX-32328237-C-G.
Other names: c.6055G>C, p.Asp2019His (NM_000109.4); c.6067G>C, p.Asp2023His (NM_004009.3); c.5710G>C, p.Asp1904His (NM_004010.3); c.2056G>C, p.Asp686His (NM_004011.4); c.2047G>C, p.Asp683His (NM_004012.4); short protein forms D2027H, D683H, D686H, D2019H, D2023H, D1904H.
Identifiers: ClinVar variation 1401501 (VCV001401501.8), dbSNP rs2148595093, ClinGen allele CA412669625.

ClinVar aggregate classification (germline): Uncertain significance (1 of 4 stars; one submission).

Conditions:
Duchenne muscular dystrophy (DMD). Also called: MUSCULAR DYSTROPHY, PSEUDOHYPERTROPHIC PROGRESSIVE, DUCHENNE TYPE; Duchenne Muscular Dystrophy (DMD). Identifiers: Orphanet 98896, MedGen C0013264, MONDO:0010679, OMIM 310200.

Submission:

Labcorp Genetics (formerly Invitae), Labcorp
Classification: Uncertain significance for Duchenne muscular dystrophy. Last evaluated: 2021-04-30. Review status: criteria provided, single submitter. Criteria: Invitae Variant Classification Sherloc (09022015). Collection method: clinical testing. Allele origin: germline.
Comment: In summary, the available evidence is currently insufficient to determine the role of this variant in disease. Therefore, it has been classified as a Variant of Uncertain Significance. Algorithms developed to predict the effect of missense changes on protein structure and function (SIFT, PolyPhen-2, Align-GVGD) all suggest that this variant is likely to be disruptive, but these predictions have not been confirmed by published functional studies and their clinical significance is uncertain. This variant has not been reported in the literature in individuals with DMD-related conditions. This variant is not present in population databases (ExAC no frequency). This sequence change replaces aspartic acid with histidine at codon 2027 of the DMD protein (p.Asp2027His). The aspartic acid residue is highly conserved and there is a moderate physicochemical difference between aspartic acid and histidine.